The following is an entry in ClinVar:

ClinVar aggregate classification (germline): Pathogenic (1 of 4 stars; one submission).

Submission:

Labcorp Genetics (formerly Invitae), Labcorp
Classification: Pathogenic. Last evaluated: 2019-12-16. Review status: criteria provided, single submitter. Criteria: Invitae Variant Classification Sherloc (09022015). Collection method: clinical testing. Allele origin: germline.
Comment: This variant is a gross deletion of the genomic region encompassing exon 3 of the HBB gene. The 5' boundary is likely confined to intron 2. The 3' end of this event is unknown as it extends through the termination codon beyond the assayed region for this gene and may encompass additional genes. While this deletion is not anticipated to result in nonsense mediated decay, it is expected to create a truncated protein product or disrupt mRNA translation. A similar exon 3 deletion, commonly known as the 619bp deletion, in the literature has been observed in many individuals affected with beta thalassemia and is considered a common founder mutation in the Indian population although it has been found in affected individuals from other populations (PMID: 2903765, 287080, 7162987, 2064964, 27812264). For these reasons, this variant has been classified as Pathogenic.

Literature cited by the submitters: PubMed 7162987; PubMed 2903765; PubMed 2064964; PubMed 287080; PubMed 27812264.

NM_000518.5(HBB):c.316_*132del (p.Leu106_Ter148del)

Genes: HBB (hemoglobin subunit beta; minus strand), LOC107133510 (origin of replication at HBB; plus strand), LOC110006319 (beta-globin gene 3' regulatory region; plus strand). Cytogenetic location: 11p15.4.
Variant type: Deletion.
Coding change: c.316_*132del on transcript NM_000518.5 (MANE Select); coding-DNA position 316 through 132 bases downstream of the stop codon, 261 bases deleted.
Protein change: p.Leu106_Ter148del.
Molecular consequence: stop lost, inframe deletion.
Genome position (GRCh38, 1-based): chr11:5,225,466-5,225,726, 261 bases deleted. GRCh37 (hg19): chr11:5,246,696-5,246,956.
Identifiers: ClinVar variation 862436 (VCV000862436.1), dbSNP rs1847517857, ClinGen allele CA916083170.